The following is an entry in ClinVar:

ClinVar aggregate classification (germline): Uncertain significance (1 of 4 stars; one submission).

Conditions:
Polycystic kidney disease, adult type (PKD1). Also called: Polycystic Kidney, Autosomal Dominant; POLYCYSTIC KIDNEY DISEASE, ADULT, TYPE I; Polycystic Kidney Disease 1, Autosomal Dominant; Polycystic kidney disease 1; Polycystic kidney disease 1, severe; POLYCYSTIC KIDNEY DISEASE 1 WITH OR WITHOUT POLYCYSTIC LIVER DISEASE. Identifiers: MedGen C3149841, MONDO:0008263, OMIM 173900.

Submission:

Dasa
Classification: Uncertain significance for Polycystic kidney disease, adult type. Last evaluated: 2025-08-08. Review status: criteria provided, single submitter. Criteria: DASA Assertion Criteria. Collection method: clinical testing. Allele origin: germline.
Comment: NM_001009944.3(PKD1):c.6368A>G (p.Gln2123Arg) is a missense variant that results in the substitution of glutamine with arginine. This variant is rare in population databases. Computational prediction algorithms are consistent with a benign effect. The currently available literature and clinical evidence are not sufficient to establish a definitive association between this variant and the reported condition. Therefore, this variant is classified as a variant of uncertain significance.

NM_001009944.3(PKD1):c.6368A>G (p.Gln2123Arg)

Gene: PKD1 (polycystin 1, transient receptor potential channel interacting; minus strand). Cytogenetic location: 16p13.3.
Variant type: single nucleotide variant.
Coding change: c.6368A>G on transcript NM_001009944.3 (MANE Select); coding-DNA position 6368, A replaced by G.
Protein change: p.Gln2123Arg; replaces glutamine 2123 with arginine.
Molecular consequence: missense variant.
Genome position (GRCh38, 1-based): chr16:2,108,799, T>C on the plus strand (A>G on the coding strand, the complement: PKD1 is on the minus strand). VCF-style: chr16-2108799-T-C. GRCh37 (hg19) VCF-style: chr16-2158800-T-C.
Other names: c.6368A>G, p.Gln2123Arg (NM_000296.4); short protein forms Q2123R.
Identifiers: ClinVar variation 4885932 (VCV004885932.2).